The following is an entry in ClinVar:

ClinVar aggregate classification (germline): Uncertain significance. Review status: criteria provided, single submitter (1 of 4 stars). 2 submissions from 2 submitters: Uncertain significance (1). 1 of the submissions does not count toward it.

Conditions:
Diabetes mellitus, transient neonatal, 3 (TNDM3). Identifiers: Orphanet 99886, MedGen C1864623, MONDO:0012522, OMIM 610582. Disease mechanism: loss of function.
Hyperinsulinemic hypoglycemia, familial, 2. Also called: HYPERINSULINEMIC HYPOGLYCEMIA, PERSISTENT; HYPERINSULINISM, NEONATAL. Identifiers: Orphanet 276580, Orphanet 276603, MedGen C2931833, MONDO:0011153, OMIM 601820. Disease mechanism: loss of function.
Permanent neonatal diabetes mellitus 1. Also called: GCK-Related Permanent Neonatal Diabetes Mellitus. Identifiers: MedGen C5393570, MONDO:0100165, OMIM 606176.
Maturity-onset diabetes of the young (MODY). Also called: Maturity onset diabetes mellitus in young. Identifiers: Orphanet 552, MedGen C0342276, MONDO:0018911, HP:0004904.

Allele frequency attached by ClinVar (database versions not stated): gnomAD exomes below 0.00001.
gnomAD v4.1: 1 of 1,614,032 alleles (0.000062%); highest among the groups gnomAD compares: Non-Finnish European, 0.000085%; no homozygotes.

Submissions (2):

Clinical Genomics, Uppaluri K&H Personalized Medicine Clinic
Classification: Uncertain significance for Maturity-onset diabetes of the young. Review status: criteria provided, single submitter. Criteria: K&H Uppaluri Personalized Medicine Clinic Variant Classification & Assertion Criteria. Collection method: research. Allele origin: somatic. Inheritance: Autosomal dominant inheritance.
Comment: Mutations in KCNJ11 gene can cause decreased production and secretion of insulin. This can lead to MODY which may be responsive to oral sulfonylureas. It is also associated with Neonatal Diabetes. However, no sufficient evidence is found to ascertain the role of rs1554901866 variant in MODY yet.

Counsyl
Classification: Uncertain significance for Hyperinsulinemic hypoglycemia, familial, 2; Permanent neonatal diabetes mellitus 1; Diabetes mellitus, transient neonatal, 3. Last evaluated: 2017-09-13. Review status: no assertion criteria provided. Collection method: clinical testing. Allele origin: unknown. Not counted in ClinVar's aggregate classification.

Literature cited by the submitters: PubMed 26448950 (cited by Clinical Genomics, Uppaluri K&H Personalized Medicine Clinic); PubMed 15580558 (cited by Clinical Genomics, Uppaluri K&H Personalized Medicine Clinic); PubMed 15718250 (cited by Clinical Genomics, Uppaluri K&H Personalized Medicine Clinic).

NM_000525.4(KCNJ11):c.264G>T (p.Met88Ile)

Gene: KCNJ11 (potassium inwardly rectifying channel subfamily J member 11; minus strand). Cytogenetic location: 11p15.1.
Variant type: single nucleotide variant.
Coding change: c.264G>T on transcript NM_000525.4 (MANE Select); coding-DNA position 264, G replaced by T.
Protein change: p.Met88Ile; replaces methionine 88 with isoleucine.
Molecular consequence: missense variant. On other transcripts: initiator codon variant (3).
Genome position (GRCh38, 1-based): chr11:17,387,828, C>A on the plus strand (G>T on the coding strand, the complement: KCNJ11 is on the minus strand). VCF-style: chr11-17387828-C-A. GRCh37 (hg19) VCF-style: chr11-17409375-C-A.
Other names: c.3G>T, p.Met1Ile (NM_001166290.2, NM_001377296.1, NM_001377297.1); short protein forms M88I, M1I.
Identifiers: ClinVar variation 553835 (VCV000553835.4), dbSNP rs1554901866, ClinGen allele CA379774980.